The following is an entry in ClinVar:

ClinVar aggregate classification (germline): Benign (1 of 4 stars; one submission).

Conditions:
Danon disease. Also called: ANTOPOL DISEASE; PSEUDOGLYCOGENOSIS II; GSD IIb; LYSOSOMAL GLYCOGEN STORAGE DISEASE WITHOUT ACID MALTASE DEFICIENCY; Glycogen Storage Disease Type IIb. Identifiers: Orphanet 34587, MedGen C0878677, MONDO:0010281, OMIM 300257.

Allele frequency attached by ClinVar (database versions not stated): gnomAD 0.62750; TOPMed 0.66520; 1000 Genomes Project 0.70967; 1000 Genomes Project 30x 0.71446.

Submission:

Illumina Laboratory Services, Illumina
Classification: Benign for Danon disease. Last evaluated: 2018-01-13. Review status: criteria provided, single submitter. Criteria: ICSL Variant Classification Criteria 13 December 2019. Collection method: clinical testing. Allele origin: germline.
Comment: This variant was observed in the ICSL laboratory as part of a predisposition screen in an ostensibly healthy population. It had not been previously curated by ICSL or reported in the Human Gene Mutation Database (HGMD: prior to June 1st, 2018), and was therefore a candidate for classification through an automated scoring system. Utilizing variant allele frequency, disease prevalence and penetrance estimates, and inheritance mode, an automated score was calculated to assess if this variant is too frequent to cause the disease. Based on the score and internal cut-off values, a variant classified as benign is not then subjected to further curation. The score for this variant resulted in a classification of benign for this disease.

NM_002294.3(LAMP2):c.*4579A>G

Gene: LAMP2 (lysosome associated membrane protein 2; minus strand). Cytogenetic location: Xq24.
Variant type: single nucleotide variant.
Coding change: c.*4579A>G on transcript NM_002294.3 (MANE Select); 4579 bases downstream of the stop codon, A replaced by G.
Molecular consequence: 3 prime UTR variant.
Genome position (GRCh38, 1-based): chrX:120,426,744, T>C on the plus strand (A>G on the coding strand, the complement: LAMP2 is on the minus strand). VCF-style: chrX-120426744-T-C. GRCh37 (hg19) VCF-style: chrX-119560599-T-C.
Other names: c.*1740A>G (NM_001122606.1).
Identifiers: ClinVar variation 367743 (VCV000367743.6), dbSNP rs42885, ClinGen allele CA10653742.
Genomic context (GRCh38, chrX:120,426,744, plus strand): 5'-TTATTAATCTGGCTTCTAGATAATCATCTCAAAAATATGTATTGAAACAAAGCCACTGTT[T>C]TTTATGATGACATCATTTTAACCAAATGCTTTTATAACAAATAAGCAGTTGTTCTCAAAA-3'